The following continues an entry in ClinVar:

NM_002755.4(MAP2K1):c.389A>G (p.Tyr130Cys)

Gene: MAP2K1. ClinVar aggregate classification (germline): Pathogenic. Pathogenic (1). ClinVar aggregate classification (oncogenicity): Likely oncogenic.

Submissions 7 to 23 of 37:

Center for Genomic Medicine, Rigshospitalet, Copenhagen University Hospital
Classification: Likely oncogenic for Neoplasm. Last evaluated: 2025-03-04. Review status: criteria provided, single submitter. Criteria: ClinGen/CGC/VICC Guidelines for Oncogenicity, 2022. Collection method: clinical testing. Allele origin: somatic. Affected: yes.

Revvity Omics, Revvity
Classification: Pathogenic for Cardiofaciocutaneous syndrome 3. Last evaluated: 2025-03-04. Review status: criteria provided, single submitter. Criteria: ACMG Guidelines, 2015. Collection method: clinical testing. Allele origin: germline. Not counted in ClinVar's aggregate classification.

Institute of Human Genetics, University of Leipzig Medical Center
Classification: Pathogenic for Cardiofaciocutaneous syndrome 3. Last evaluated: 2024-12-16. Review status: criteria provided, single submitter. Criteria: ACMG Guidelines, 2015. Collection method: clinical testing. Allele origin: unknown. Inheritance: Autosomal dominant inheritance. Affected: yes. Not counted in ClinVar's aggregate classification.
Comment: Criteria applied: PS2_VSTR,PS3,PS4,PM1,PM2,PP2,PP3

Ambry Genetics
Classification: Pathogenic for Cardiovascular phenotype. Last evaluated: 2024-09-04. Review status: criteria provided, single submitter. Criteria: Ambry Variant Classification Scheme 2023. Collection method: clinical testing. Allele origin: germline. Not counted in ClinVar's aggregate classification.
Comment: The c.389A>G (p.Y130C) alteration is located in coding exon 3 of the MAP2K1 gene. This alteration results from an A to G substitution at nucleotide position 389, causing the tyrosine (Y) at amino acid position 130 to be replaced by a cysteine (C). Based on data from gnomAD, the G allele has an overall frequency of <0.001% (1/251460) total alleles studied. The highest observed frequency was 0.001% (1/113740) of European (non-Finnish) alleles. This variant has been detected in several individuals with clinical features consistent with MAP2K1-related RASopathy and was reported to be de novo in multiple of these individuals (Rodriguez-Viciana, 2006; Celik, 2014; Pierpont, 2017; Tsuburaya-Suzuki, 2024). This amino acid position is highly conserved in available vertebrate species. This missense alteration is located in a region that has a low rate of benign missense variation (Lek, 2016; Firth, 2009). The p.Y130 amino acid is located in the protein kinase domain, important for mediating the phosphorylation of tyrosine and then threonine in downstream substrates (Roskoski, 2012; Rodriguez-Viciana, 2006). Functional studies have shown that mutant protein with the p.Y130C alteration display increased kinase activity and are more active than wild-type protein in stimulating phosphorylation of the downstream effector, ERK (Rodriguez-Viciana, 2008). This alteration is predicted to be deleterious by in silico analysis. Based on the available evidence, this alteration is classified as pathogenic.

Department of Human Genetics, Hannover Medical School
Classification: Pathogenic for Cardiofaciocutaneous syndrome 3. Last evaluated: 2023-05-26. Review status: criteria provided, single submitter. Criteria: ACMG Guidelines, 2015. Collection method: clinical testing. Allele origin: germline. Inheritance: Autosomal dominant inheritance. Affected: yes. Not counted in ClinVar's aggregate classification.

Neuberg Centre For Genomic Medicine, NCGM
Classification: Pathogenic for Cardiofaciocutaneous syndrome 3. Last evaluated: 2023-05-20. Review status: criteria provided, single submitter. Criteria: ACMG Guidelines, 2015. Collection method: clinical testing. Allele origin: germline. Inheritance: Autosomal dominant inheritance. Affected: yes. Not counted in ClinVar's aggregate classification.
Comment: The observed missense variant c.389A>G (p.Tyr130Cys) in the MAP2K1 gene has been reported previously in multiple individual(s) with Cardiofaciocutaneous syndrome. Experimental studies have shown that this missense change affects MAP2K1 function (Wang Q, et al., 2020; Cao H, et al., 2022; Al-Rahawan MM, et al., 2007; Anastasaki C, et al., 2009; Cheng TM, et al., 2012). This variant is reported with the allele frequency 0.0004% in the gnomAD Exomes. This variant has been reported to the ClinVar database as Pathogenic by multiple submitters and the ClinGen Rasopathy expert panel. The amino acid Tyrosine at position 130 is changed to a Cysteine changing protein sequence and it might alter its composition and physico-chemical properties. Multiple lines of computational evidence (Polyphen - Possibly damaging, SIFT - Damaging and MutationTaster - Disease causing) predict a damaging effect on protein structure and function for this variant. The residue is conserved by GERP++ and PhyloP across 100 vertebrates. For these reasons, this variant has been classified as Pathogenic.

Baylor Genetics
Classification: Pathogenic for Cardiofaciocutaneous syndrome 3. Last evaluated: 2023-05-05. Review status: criteria provided, single submitter. Criteria: ACMG Guidelines, 2015. Collection method: clinical testing. Allele origin: unknown. Not counted in ClinVar's aggregate classification.

Laboratoire de Génétique Moléculaire, CHU Bordeaux
Classification: Pathogenic for Cardiofaciocutaneous syndrome 3. Last evaluated: 2023-03-29. Review status: criteria provided, single submitter. Criteria: ACMG Guidelines, 2015. Collection method: clinical testing. Allele origin: germline. Affected: yes. Not counted in ClinVar's aggregate classification.

Blueprint Genetics
Classification: Pathogenic for MAP2K1-related disorders. Last evaluated: 2023-01-10. Review status: criteria provided, single submitter. Criteria: ACMG Guidelines, 2015. Collection method: clinical testing. Allele origin: de novo. Affected: yes. Observed: 3 variant alleles. Not counted in ClinVar's aggregate classification.

Laboratory of Medical Genetics, National & Kapodistrian University of Athens
Classification: Pathogenic for Cardiofaciocutaneous syndrome 3. Last evaluated: 2022-05-09. Review status: criteria provided, single submitter. Criteria: ACMG Guidelines, 2015. Collection method: clinical testing. Allele origin: germline. Affected: yes. Not counted in ClinVar's aggregate classification.
Comment: PM1, PM2, PM5, PP3, PP5

GeneDx
Classification: Pathogenic. Last evaluated: 2022-01-14. Review status: criteria provided, single submitter. Criteria: GeneDx Variant Classification Process June 2021. Collection method: clinical testing. Allele origin: germline. Affected: yes. Not counted in ClinVar's aggregate classification.
Comment: Published functional studies demonstrate a damaging effect in which the variant causes increased kinase activity and activation of downstream effectors (MEK and ERK), indicating a gain of function (Rodriguez-Viciana et al., 2008); The majority of missense variants in this gene are considered pathogenic (HGMD); This variant is associated with the following publications: (PMID: 23093928, 26607044, 26922062, 18413255, 16439621, 24637312, 18042262, 19156172, 26350204, 26795593, 28049852, 24803665, 27862862, 17567882, 30050098, 31972311, 31057598, 29907801, 31618753, 32369273, 32866538, 17551924, 17981815, 33673806, 33482860, 32335888)

Dasa
Classification: Pathogenic for Cardiofaciocutaneous syndrome 3. Last evaluated: 2022-01-05. Review status: criteria provided, single submitter. Criteria: ACMG Guidelines, 2015. Collection method: clinical testing. Allele origin: germline. Affected: yes. Observed: 2 variant alleles. Not counted in ClinVar's aggregate classification.
Comment: The c.389A>G;p.(Tyr130Cys) missense variant has been observed in affected individual(s) and ClinVar contains an entry for this variant (ClinVar ID: 13351 PMID 16439621; 17551924; 18042262; 18413255; 23093928; 17981815 ) - PS4. Well-established in vitro or in vivo functional studies support a damaging effect on the gene or gene product (PMID: 18413255, 23093928, 17981815) - PS3. The variant was observed to have arisen de novo (paternity confirmed) in a patient with the disease and no family history (PMID: 16439621; 17551924; 18042262) - PS2.The variant is located in a mutational hot spot and/or critical and well-established functional domain (hot spot region - PMID: 29493581) - PM1. The variant is present at low allele frequencies population databases (rs121908595– gnomAD 0.00003977%; ABraOM no frequency) - PM2_supporting. Multiple lines of computational evidence support a deleterious effect on the gene or gene product - PP3. In summary, the currently available evidence indicates that the variant is pathogenic.

Institute of Medical Genetics and Applied Genomics, University Hospital Tübingen
Classification: Pathogenic. Last evaluated: 2020-10-23. Review status: criteria provided, single submitter. Criteria: ACMG Guidelines, 2015. Collection method: clinical testing. Allele origin: germline. Inheritance: Unknown mechanism. Affected: yes. Not counted in ClinVar's aggregate classification.

Beijing Key Laboratry for Genetics of Birth Defects, Beijing Children's Hospital
Classification: Pathogenic for Cardiofaciocutaneous syndrome 3. Last evaluated: 2020-02-28. Review status: criteria provided, single submitter. Criteria: ACMG Guidelines, 2015. Collection method: clinical testing. Allele origin: germline. Affected: yes. Observed: 1 variant allele. Not counted in ClinVar's aggregate classification.

Centre for Mendelian Genomics, University Medical Centre Ljubljana
Classification: Pathogenic for Melorheostosis. Last evaluated: 2019-05-13. Review status: criteria provided, single submitter. Criteria: ACMG Guidelines, 2015. Collection method: clinical testing. Allele origin: unknown. Affected: yes. Not counted in ClinVar's aggregate classification.
Comment: This variant was classified as: Pathogenic. The following ACMG criteria were applied in classifying this variant: PS1,PS3,PM1,PP3.

Fulgent Genetics
Classification: Pathogenic for Noonan syndrome 1; Cardiofaciocutaneous syndrome 3. Last evaluated: 2018-10-31. Review status: criteria provided, single submitter. Criteria: ACMG Guidelines, 2015. Collection method: clinical testing. Allele origin: unknown. Not counted in ClinVar's aggregate classification.

Institute of Human Genetics Munich, TUM University Hospital
Classification: Pathogenic for Cardiofaciocutaneous syndrome 3. Last evaluated: 2018-04-11. Review status: criteria provided, single submitter. Criteria: Classification criteria August 2017. Collection method: clinical testing. Allele origin: de novo. Inheritance: Autosomal dominant inheritance. Affected: yes. Observed: 1 heterozygote. Not counted in ClinVar's aggregate classification.